The following is an entry in ClinVar:

NM_004064.5(CDKN1B):c.109G>T (p.Asp37Tyr)

Gene: CDKN1B (cyclin dependent kinase inhibitor 1B; plus strand). Cytogenetic location: 12p13.1.
Variant type: single nucleotide variant.
Coding change: c.109G>T on transcript NM_004064.5 (MANE Select); coding-DNA position 109, G replaced by T.
Protein change: p.Asp37Tyr; replaces aspartic acid 37 with tyrosine.
Molecular consequence: missense variant.
Genome position (GRCh38, 1-based): chr12:12,717,948, G>T. VCF-style: chr12-12717948-G-T. GRCh37 (hg19) VCF-style: chr12-12870882-G-T.
Other names: short protein forms D37Y.
Identifiers: ClinVar variation 3830971 (VCV003830971.1).

ClinVar aggregate classification (germline): Uncertain significance (1 of 4 stars; one submission).

Conditions:
Hereditary cancer-predisposing syndrome. Also called: Hereditary neoplastic syndrome; Neoplastic Syndromes, Hereditary; Tumor predisposition; Hereditary Cancer Syndrome. Identifiers: Orphanet 140162, MedGen C0027672, MeSH D009386, MONDO:0015356.

Submission:

Ambry Genetics
Classification: Uncertain significance for Hereditary cancer-predisposing syndrome. Last evaluated: 2025-01-23. Review status: criteria provided, single submitter. Criteria: Ambry Variant Classification Scheme 2023. Collection method: clinical testing. Allele origin: germline.
Comment: The p.D37Y variant (also known as c.109G>T), located in coding exon 1 of the CDKN1B gene, results from a G to T substitution at nucleotide position 109. The aspartic acid at codon 37 is replaced by tyrosine, an amino acid with highly dissimilar properties. This amino acid position is conserved. In addition, the in silico prediction for this alteration is inconclusive. Based on the available evidence, the clinical significance of this variant remains unclear.